The following is an entry in ClinVar:

ClinVar aggregate classification (germline): Likely pathogenic (1 of 4 stars; one submission).

Conditions:
Intellectual developmental disorder, autosomal dominant 39. Also called: Mental retardation, autosomal dominant 39; Intellectual disability, autosomal dominant 39. Identifiers: MedGen C4225296, MONDO:0014678, OMIM 616521.

Submission:

3billion
Classification: Likely pathogenic for Intellectual developmental disorder, autosomal dominant 39. Last evaluated: 2025-02-27. Review status: criteria provided, single submitter. Criteria: ACMG Guidelines, 2015. Collection method: clinical testing. Allele origin: germline. Affected: yes.
Comment: The variant is not observed in the gnomAD v4.1.0 dataset. Predicted Consequence/Location: Frameshift: predicted to result in a loss or disruption of normal protein function through nonsense-mediated decay (NMD) or protein truncation. Multiple pathogenic variants are reported downstream of the variant. Therefore, this variant is classified as Likely pathogenic according to the recommendation of ACMG/AMP guideline.

NM_001303052.2(MYT1L):c.536_539dup (p.Ile180fs)

Gene: MYT1L (myelin transcription factor 1 like; minus strand). Cytogenetic location: 2p25.3.
Variant type: Duplication.
Coding change: c.536_539dup on transcript NM_001303052.2 (MANE Select); coding-DNA positions 536 to 539, 4 bases duplicated (GAAT; older notation c.536_539dupGAAT).
Protein change: p.Ile180fs; shifts the reading frame from isoleucine 180.
Molecular consequence: frameshift variant.
Genome position (GRCh38, 1-based): chr2:1,923,230-1,923,233, ATTC duplicated on the plus strand (GAAT on the coding strand, the reverse complement: MYT1L is on the minus strand). VCF-style (leftmost placement, unchanged base first): chr2-1923229-T-TATTC. GRCh37 (hg19) VCF-style: chr2-1927001-T-TATTC.
Other names: c.536_539dup, p.Ile180fs (NM_001329844.2, NM_001329845.1, NM_001329846.3 and 6 more transcripts); short protein forms I180fs.
Identifiers: ClinVar variation 4292267 (VCV004292267.1).